The following is an entry in ClinVar:

NM_000303.3(PMM2):c.560G>A (p.Trp187Ter)

Gene: PMM2 (phosphomannomutase 2; plus strand). Cytogenetic location: 16p13.2.
Variant type: single nucleotide variant.
Coding change: c.560G>A on transcript NM_000303.3 (MANE Select); coding-DNA position 560, G replaced by A.
Protein change: p.Trp187Ter; replaces tryptophan 187 with a stop codon.
Molecular consequence: nonsense.
Genome position (GRCh38, 1-based): chr16:8,813,027, G>A. VCF-style: chr16-8813027-G-A. GRCh37 (hg19) VCF-style: chr16-8906884-G-A.
Other names: short protein forms W187*.
Identifiers: ClinVar variation 370944 (VCV000370944.10), dbSNP rs1057516886, ClinGen allele CA16041800.

ClinVar aggregate classification (germline): Pathogenic. Review status: criteria provided, single submitter (1 of 4 stars). 2 submissions from 2 submitters: Pathogenic (1). 1 of the submissions does not count toward it. Last evaluated 2021-11-08.

Conditions:
PMM2-congenital disorder of glycosylation. Also called: PMM2-CDG; Congenital disorder of glycosylation, type Ia; PHOSPHOMANNOMUTASE 2 DEFICIENCY; CARBOHYDRATE-DEFICIENT GLYCOPROTEIN SYNDROME, TYPE Ia; CDG Ia; JAEKEN SYNDROME. Identifiers: Orphanet 79318, MedGen C0349653, MONDO:0008907, OMIM 212065.

Allele frequency attached by ClinVar (database versions not stated): gnomAD 0.00001.

Submissions (2):

Labcorp Genetics (formerly Invitae), Labcorp
Classification: Pathogenic for PMM2-congenital disorder of glycosylation. Last evaluated: 2021-11-08. Review status: criteria provided, single submitter. Criteria: Invitae Variant Classification Sherloc (09022015). Collection method: clinical testing. Allele origin: germline.
Comment: Algorithms developed to predict the effect of sequence changes on RNA splicing suggest that this variant may create or strengthen a splice site. For these reasons, this variant has been classified as Pathogenic. ClinVar contains an entry for this variant (Variation ID: 370944). This variant has not been reported in the literature in individuals affected with PMM2-related conditions. This variant is present in population databases (no rsID available, gnomAD 0.007%). This sequence change creates a premature translational stop signal (p.Trp187*) in the PMM2 gene. It is expected to result in an absent or disrupted protein product. Loss-of-function variants in PMM2 are known to be pathogenic (PMID: 19862844).

Counsyl
Classification: Likely pathogenic for PMM2-congenital disorder of glycosylation. Last evaluated: 2016-05-23. Review status: no assertion criteria provided. Collection method: clinical testing. Allele origin: unknown. Not counted in ClinVar's aggregate classification.

Literature cited by the submitters: PubMed 19862844 (cited by Labcorp Genetics (formerly Invitae), Labcorp).